The following is an entry in ClinVar:

NM_000350.3(ABCA4):c.1922_1923delinsAG (p.Cys641Ter)

Gene: ABCA4 (ATP binding cassette subfamily A member 4; minus strand). Cytogenetic location: 1p22.1.
Variant type: Indel.
Coding change: c.1922_1923delinsAG on transcript NM_000350.3 (MANE Select); coding-DNA positions 1922 to 1923, GC replaced by AG.
Protein change: p.Cys641Ter; replaces cysteine 641 with a stop codon.
Molecular consequence: nonsense.
Genome position (GRCh38, 1-based): chr1:94,062,591-94,062,592, GC replaced by CT on the plus strand (GC replaced by AG on the coding strand, the reverse complement: ABCA4 is on the minus strand). VCF-style: chr1-94062591-GC-CT. GRCh37 (hg19) VCF-style: chr1-94528147-GC-CT.
Other names: c.1922_1923delinsAG, p.Cys641Ter (NM_001425324.1); short protein forms C641*.
Identifiers: ClinVar variation 4766627 (VCV004766627.2).

ClinVar aggregate classification (germline): Pathogenic/Likely pathogenic. Review status: criteria provided, multiple submitters, no conflicts (2 of 4 stars). 2 submissions from 2 submitters: Pathogenic (1); Likely pathogenic (1). Last evaluated 2025-12-15.

Conditions:
ABCA4-related disorder. Also called: ABCA4-related condition; ABCA4-related disorders. Identifiers: MedGen CN239167.

Submissions (2):

Labcorp Genetics (formerly Invitae), Labcorp
Classification: Pathogenic. Last evaluated: 2025-12-15. Review status: criteria provided, single submitter. Criteria: Invitae Variant Classification Sherloc (09022015). Collection method: clinical testing. Allele origin: germline.
Comment: This sequence change creates a premature translational stop signal (p.Cys641*) in the ABCA4 gene. It is expected to result in an absent or disrupted protein product. Loss-of-function variants in ABCA4 are known to be pathogenic (PMID: 10958761, 24938718, 25312043, 26780318). Information on the frequency of this variant in the gnomAD database is not available, as this variant may be reported differently in the database. This premature translational stop signal has been observed in individual(s) with chorioretinopathy (PMID: 28947085). For these reasons, this variant has been classified as Pathogenic.

Blueprint Genetics
Classification: Likely pathogenic for ABCA4-related disorders. Last evaluated: 2022-09-21. Review status: criteria provided, single submitter. Criteria: ACMG Guidelines, 2015. Collection method: clinical testing. Allele origin: germline. Affected: yes. Observed: 1 variant allele.

Literature cited by the submitters: PubMed 10958761 (cited by Labcorp Genetics (formerly Invitae), Labcorp); PubMed 24938718 (cited by Labcorp Genetics (formerly Invitae), Labcorp); PubMed 25312043 (cited by Labcorp Genetics (formerly Invitae), Labcorp); PubMed 26780318 (cited by Labcorp Genetics (formerly Invitae), Labcorp); PubMed 28947085 (cited by Labcorp Genetics (formerly Invitae), Labcorp).